The following is an entry in ClinVar:

ClinVar aggregate classification (germline): Pathogenic/Likely pathogenic. Review status: criteria provided, multiple submitters, no conflicts (2 of 4 stars). 2 submissions from 2 submitters: Pathogenic (1); Likely pathogenic (1). Last evaluated 2017-12-29.

Conditions:
Cerebral cavernous malformation (CCM). Also called: CAVERNOUS ANGIOMA, FAMILIAL; CAVERNOUS ANGIOMATOUS MALFORMATIONS; CEREBRAL CAPILLARY MALFORMATIONS; Cavernous Hemangioma of Brain; Cerebral cavernous hemangioma (type); Cerebral cavernous malformations. Identifiers: Orphanet 221061, MedGen C2919945, MONDO:0000820, OMIM 116860, HP:0033522.

Submissions (2):

Labcorp Genetics (formerly Invitae), Labcorp
Classification: Pathogenic for Cerebral cavernous malformation. Last evaluated: 2017-12-29. Review status: criteria provided, single submitter. Criteria: Invitae Variant Classification Sherloc (09022015). Collection method: clinical testing. Allele origin: germline.
Comment: This sequence change affects an acceptor splice site in intron 9 of the KRIT1 gene. It is expected to disrupt RNA splicing and likely results in an absent or disrupted protein product. This variant is not present in population databases (ExAC no frequency). This variant has not been reported in the literature in individuals with a KRIT1-related disease. Algorithms developed to predict the effect of sequence changes on RNA splicing suggest that this variant may disrupt the consensus splice site, but this prediction has not been confirmed by published transcriptional studies. A different variant affecting this nucleotide (c.730-1G>A) has been reported in individuals and families affected with cerebral cavernous malformations, and has been determined to be pathogenic (PMID: 11222804, 24689081, 23584803). This suggests that this nucleotide is important for normal RNA splicing, and that other variants at this position may also be pathogenic. Donor and acceptor splice site variants typically lead to a loss of protein function (PMID: 16199547), and loss-of-function variants in KRIT1 are known to be pathogenic (PMID: 10508515, 11222804, 12404106). For these reasons, this variant has been classified as Pathogenic.

PreventionGenetics, part of Exact Sciences
Classification: Likely pathogenic. Last evaluated: 2016-06-14. Review status: criteria provided, single submitter. Criteria: ACMG Guidelines, 2015. Collection method: clinical testing. Allele origin: germline.

Literature cited by the submitters: PubMed 11222804 (cited by Labcorp Genetics (formerly Invitae), Labcorp); PubMed 24689081 (cited by Labcorp Genetics (formerly Invitae), Labcorp); PubMed 23584803 (cited by Labcorp Genetics (formerly Invitae), Labcorp); PubMed 16199547 (cited by Labcorp Genetics (formerly Invitae), Labcorp); PubMed 10508515 (cited by Labcorp Genetics (formerly Invitae), Labcorp); PubMed 12404106 (cited by Labcorp Genetics (formerly Invitae), Labcorp).

NM_194454.3(KRIT1):c.730-1G>C

Gene: KRIT1 (KRIT1 ankyrin repeat containing; minus strand). Cytogenetic location: 7q21.2.
Variant type: single nucleotide variant.
Coding change: c.730-1G>C on transcript NM_194454.3 (MANE Select); the canonical splice acceptor site of the intron before coding-DNA position 730, G replaced by C.
Molecular consequence: splice acceptor variant.
Genome position (GRCh38, 1-based): chr7:92,234,924, C>G on the plus strand (G>C on the coding strand, the complement: KRIT1 is on the minus strand). VCF-style: chr7-92234924-C-G. GRCh37 (hg19) VCF-style: chr7-91864238-C-G.
Other names: c.730-1G>C (NM_001350672.1, NM_001350676.1, NM_001350673.1 and 29 more transcripts); c.16-1G>C (NM_001350671.1).
Identifiers: ClinVar variation 536122 (VCV000536122.9), dbSNP rs1554527922, ClinGen allele CA368159107.